The following is an entry in ClinVar:

NM_000051.4(ATM):c.5549dup (p.Leu1850fs)

Gene: ATM (ATM serine/threonine kinase; plus strand). Cytogenetic location: 11q22.3.
Variant type: Duplication.
Coding change: c.5549dup on transcript NM_000051.4 (MANE Select); coding-DNA position 5549, one base duplicated (T; older notation c.5549dupT).
Protein change: p.Leu1850fs; shifts the reading frame from leucine 1850.
Molecular consequence: frameshift variant.
Genome position (GRCh38, 1-based): chr11:108,304,727, T duplicated; the last of 4 consecutive T bases (chr11:108,304,724-108,304,727); duplicating any one gives the same sequence. VCF-style (leftmost placement, unchanged base first): chr11-108304723-A-AT. GRCh37 (hg19) VCF-style: chr11-108175450-A-AT.
Other names: c.5549dup, p.Leu1850fs (NM_001351834.2); short protein forms L1850fs.
Identifiers: ClinVar variation 1374150 (VCV001374150.6), dbSNP rs876658287, ClinGen allele CA2573146651.
Genomic context (GRCh38, chr11:108,304,723, plus strand): 5'-TGTATATTCTAGGTGAAAACTGACTTTTGTCAGACTGTACTTCCATACTTGATTCATGAT[A>AT]TTTTACTCCAAGATACAAATGAATCATGGAGAAATCTGCTTTCTACACATGTTCAGGGAT-3'

ClinVar aggregate classification (germline): Pathogenic (1 of 4 stars; one submission).

Conditions:
Ataxia-telangiectasia syndrome (AT). Also called: Cerebello-oculocutaneous telangiectasia; Immunodeficiency with ataxia telangiectasia; AT, COMPLEMENTATION GROUP C; Ataxia-telangiectasia, complementation group E; LOUIS-BAR SYNDROME; ATAXIA-TELANGIECTASIA, COMPLEMENTATION GROUP A. Identifiers: Orphanet 100, MedGen C0004135, MONDO:0008840, OMIM 208900.

Submission:

Labcorp Genetics (formerly Invitae), Labcorp
Classification: Pathogenic for Ataxia-telangiectasia syndrome. Last evaluated: 2021-05-03. Review status: criteria provided, single submitter. Criteria: Invitae Variant Classification Sherloc (09022015). Collection method: clinical testing. Allele origin: germline.
Comment: This sequence change creates a premature translational stop signal (p.Leu1850Phefs*7) in the ATM gene. It is expected to result in an absent or disrupted protein product. Loss-of-function variants in ATM are known to be pathogenic (PMID: 23807571, 25614872). This variant is not present in population databases (ExAC no frequency). This variant has not been reported in the literature in individuals with ATM-related conditions. For these reasons, this variant has been classified as Pathogenic.

Literature cited by the submitters: PubMed 23807571; PubMed 25614872.